The following is an entry in ClinVar:

NC_000007.13:g.(?_77648632)_(77998550_?)dup

Gene: MAGI2 (membrane associated guanylate kinase, WW and PDZ domain containing 2; minus strand). Cytogenetic location: 7q21.11.
Variant type: Duplication.
Identifiers: ClinVar variation 2425794 (VCV002425794.4).

ClinVar aggregate classification (germline): Uncertain significance (1 of 4 stars; one submission).

Submission:

Labcorp Genetics (formerly Invitae), Labcorp
Classification: Uncertain significance. Last evaluated: 2022-02-27. Review status: criteria provided, single submitter. Criteria: Invitae Variant Classification Sherloc (09022015). Collection method: clinical testing. Allele origin: germline.
Comment: In summary, the available evidence is currently insufficient to determine the role of this variant in disease. Therefore, it has been classified as a Variant of Uncertain Significance. This variant has not been reported in the literature in individuals affected with MAGI2-related conditions. This variant results in a copy number gain of the genomic region encompassing exon(s) 7-22 of the MAGI2 gene. This region includes the termination codon of the gene. This copy number gain extends beyond the assayed region for this gene and therefore may encompass additional genes. As the precise location of this event is unknown, it may be in tandem or it may be located elsewhere in the genome.